The following is an entry in ClinVar:

ClinVar aggregate classification (germline): Uncertain significance (1 of 4 stars; one submission).

Allele frequency attached by ClinVar (database versions not stated): TOPMed below 0.00001; gnomAD 0.00001.

Submission:

Labcorp Genetics (formerly Invitae), Labcorp
Classification: Uncertain significance. Last evaluated: 2022-07-18. Review status: criteria provided, single submitter. Criteria: Invitae Variant Classification Sherloc (09022015). Collection method: clinical testing. Allele origin: germline.
Comment: Variants that disrupt the consensus splice site are a relatively common cause of aberrant splicing (PMID: 17576681, 9536098). Algorithms developed to predict the effect of sequence changes on RNA splicing suggest that this variant is not likely to affect RNA splicing. This variant has not been reported in the literature in individuals affected with MAP3K7-related conditions. This variant is not present in population databases (gnomAD no frequency). This sequence change falls in intron 15 of the MAP3K7 gene. It does not directly change the encoded amino acid sequence of the MAP3K7 protein. It affects a nucleotide within the consensus splice site. In summary, the available evidence is currently insufficient to determine the role of this variant in disease. Therefore, it has been classified as a Variant of Uncertain Significance.

Literature cited by the submitters: PubMed 17576681; PubMed 9536098.

NM_145331.3(MAP3K7):c.1524+5A>G

Gene: MAP3K7 (mitogen-activated protein kinase kinase kinase 7; minus strand). Cytogenetic location: 6q15.
Variant type: single nucleotide variant.
Coding change: c.1524+5A>G on transcript NM_145331.3 (MANE Select); 5 bases into the intron after coding-DNA position 1524, A replaced by G.
Molecular consequence: intron variant.
Genome position (GRCh38, 1-based): chr6:90,519,253, T>C on the plus strand (A>G on the coding strand, the complement: MAP3K7 is on the minus strand). VCF-style: chr6-90519253-T-C. GRCh37 (hg19) VCF-style: chr6-91228972-T-C.
Other names: c.1443+5A>G (NM_145333.3, NM_003188.4); c.1524+5A>G (NM_145332.3).
Identifiers: ClinVar variation 2090394 (VCV002090394.4), dbSNP rs1261678342, ClinGen allele CA645557151.